The following is an entry in ClinVar:

NM_021969.3(NR0B2):c.343C>T (p.Pro115Ser)

Genes: NUDC (nuclear distribution C, dynein complex regulator; plus strand), NR0B2 (nuclear receptor subfamily 0 group B member 2; minus strand). Cytogenetic location: 1p36.11.
Variant type: single nucleotide variant.
Coding change: c.343C>T on transcript NM_021969.3 (MANE Select); coding-DNA position 343, C replaced by T.
Protein change: p.Pro115Ser; replaces proline 115 with serine.
Molecular consequence: missense variant.
Genome position (GRCh38, 1-based): chr1:26,913,598, G>A on the plus strand (C>T on the coding strand, the complement: NR0B2 is on the minus strand). VCF-style: chr1-26913598-G-A. GRCh37 (hg19) VCF-style: chr1-27240089-G-A.
Other names: c.343C>T (NM_021969.2); short protein forms P115S.
Identifiers: ClinVar variation 2916734 (VCV002916734.5), dbSNP rs140901243, ClinGen allele CA709668.

ClinVar aggregate classification (germline): Uncertain significance. Review status: criteria provided, single submitter (1 of 4 stars). 2 submissions from 2 submitters: Uncertain significance (1). 1 of the submissions does not count toward it. Last evaluated 2025-08-29.

Conditions:
NR0B2-related disorder. Also called: NR0B2-related condition.

Allele frequency attached by ClinVar (database versions not stated): gnomAD exomes 0.00006; ESP Exome Variant Server 0.00031; 1000 Genomes Project 0.00080; 1000 Genomes Project 30x 0.00094; gnomAD 0.00059; TOPMed 0.00066; ExAC 0.00013.
gnomAD v4.1: 186 of 1,614,050 alleles (0.012%); highest among the groups gnomAD compares: African/African-American, 0.22%; no homozygotes.

Submissions (2):

Labcorp Genetics (formerly Invitae), Labcorp
Classification: Uncertain significance. Last evaluated: 2025-08-29. Review status: criteria provided, single submitter. Criteria: Invitae Variant Classification Sherloc (09022015). Collection method: clinical testing. Allele origin: germline.
Comment: This sequence change replaces proline, which is neutral and non-polar, with serine, which is neutral and polar, at codon 115 of the NR0B2 protein (p.Pro115Ser). This variant is present in population databases (rs140901243, gnomAD 0.2%), and has an allele count higher than expected for a pathogenic variant. This missense change has been observed in individual(s) with hypoalphalipoproteinemia (PMID: 35460704). ClinVar contains an entry for this variant (Variation ID: 2916734). Invitae Evidence Modeling of protein sequence and biophysical properties (such as structural, functional, and spatial information, amino acid conservation, physicochemical variation, residue mobility, and thermodynamic stability) indicates that this missense variant is not expected to disrupt NR0B2 protein function with a negative predictive value of 80%. In summary, the available evidence is currently insufficient to determine the role of this variant in disease. Therefore, it has been classified as a Variant of Uncertain Significance.

PreventionGenetics, part of Exact Sciences
Classification: Likely benign for NR0B2-related condition. Last evaluated: 2022-03-28. Review status: no assertion criteria provided. Collection method: clinical testing. Allele origin: germline. Not counted in ClinVar's aggregate classification.
Comment: This variant is classified as likely benign based on ACMG/AMP sequence variant interpretation guidelines (Richards et al. 2015 PMID: 25741868, with internal and published modifications).

Literature cited by the submitters: PubMed 35460704 (cited by Labcorp Genetics (formerly Invitae), Labcorp).